The following is an entry in ClinVar:

NM_006231.4(POLE):c.5747G>A (p.Trp1916Ter)

Gene: POLE (DNA polymerase epsilon, catalytic subunit; minus strand). Cytogenetic location: 12q24.33.
Variant type: single nucleotide variant.
Coding change: c.5747G>A on transcript NM_006231.4 (MANE Select); coding-DNA position 5747, G replaced by A.
Protein change: p.Trp1916Ter; replaces tryptophan 1916 with a stop codon.
Molecular consequence: nonsense.
Genome position (GRCh38, 1-based): chr12:132,635,956, C>T on the plus strand (G>A on the coding strand, the complement: POLE is on the minus strand). VCF-style: chr12-132635956-C-T. GRCh37 (hg19) VCF-style: chr12-133212542-C-T.
Other names: short protein forms W1916*.
Identifiers: ClinVar variation 967650 (VCV000967650.9), dbSNP rs2042023669, ClinGen allele CA387373031.

ClinVar aggregate classification (germline): Pathogenic (1 of 4 stars; one submission).

Submission:

Labcorp Genetics (formerly Invitae), Labcorp
Classification: Pathogenic. Last evaluated: 2023-09-01. Review status: criteria provided, single submitter. Criteria: Invitae Variant Classification Sherloc (09022015). Collection method: clinical testing. Allele origin: germline.
Comment: This sequence change creates a premature translational stop signal (p.Trp1916*) in the POLE gene. It is expected to result in an absent or disrupted protein product. Loss-of-function variants in POLE are known to be pathogenic (PMID: 23230001, 25948378, 30503519). This variant is not present in population databases (gnomAD no frequency). This variant has not been reported in the literature in individuals affected with POLE-related conditions. ClinVar contains an entry for this variant (Variation ID: 967650). Algorithms developed to predict the effect of sequence changes on RNA splicing suggest that this variant may disrupt the consensus splice site. For these reasons, this variant has been classified as Pathogenic.

Literature cited by the submitters: PubMed 23230001; PubMed 25948378; PubMed 30503519.